The following is an entry in ClinVar:

ClinVar aggregate classification (germline): Uncertain significance (1 of 4 stars; one submission).

Submission:

GeneDx
Classification: Uncertain significance. Last evaluated: 2025-03-24. Review status: criteria provided, single submitter. Criteria: GeneDx Variant Classification Process June 2021. Collection method: clinical testing. Allele origin: germline. Affected: yes.
Comment: Not observed at significant frequency in large population cohorts (gnomAD); In silico analysis supports that this missense variant has a deleterious effect on protein structure/function; Has not been previously published as pathogenic or benign to our knowledge

NM_000719.7(CACNA1C):c.1409A>G (p.Glu470Gly)

Gene: CACNA1C (calcium voltage-gated channel subunit alpha1 C; plus strand). Cytogenetic location: 12p13.33.
Variant type: single nucleotide variant.
Coding change: c.1409A>G on transcript NM_000719.7 (MANE Select); coding-DNA position 1409, A replaced by G.
Protein change: p.Glu470Gly; replaces glutamic acid 470 with glycine.
Molecular consequence: missense variant.
Genome position (GRCh38, 1-based): chr12:2,549,961, A>G. VCF-style: chr12-2549961-A-G. GRCh37 (hg19) VCF-style: chr12-2659127-A-G.
Other names: c.1409A>G, p.Glu470Gly (NM_001129827.2, NM_001129829.2, NM_001129830.3 and 18 more transcripts); c.1400A>G, p.Glu467Gly (NM_001129844.2); short protein forms E467G, E470G.
Identifiers: ClinVar variation 4088109 (VCV004088109.1).
Genomic context (GRCh38, chr12:2,549,961, plus strand): 5'-CCACCCTCAATGCCTGGCTCTGCTTCCCTTTGACTCTTGCAGTGAGCATGCCCACCAGTG[A>G]GACCGAGTCCGTCAACACCGAAAACGTGGCTGGAGGTGACATCGAGGGAGAAAACTGCGG-3'
Protein context (NP_000710.5, residues 460-480): KPRNMSMPTS[Glu470Gly]TESVNTENVA